The following is an entry in ClinVar:

ClinVar aggregate classification (germline): Likely benign (1 of 4 stars; one submission).

Submission:

CeGaT Center for Human Genetics Tuebingen
Classification: Likely benign. Last evaluated: 2023-03-01. Review status: criteria provided, single submitter. Criteria: CeGaT Center For Human Genetics Tuebingen Variant Classification Criteria Version 2. Collection method: clinical testing. Allele origin: germline. Affected: yes. Observed: 1 variant allele.
Comment: ATAD3A: BP4, BP7

NM_001170535.3(ATAD3A):c.492G>A (p.Gln164=)

Gene: ATAD3A (ATPase family AAA domain containing 3A; plus strand). Cytogenetic location: 1p36.33.
Variant type: single nucleotide variant.
Coding change: c.492G>A on transcript NM_001170535.3 (MANE Select); coding-DNA position 492, G replaced by A.
Protein change: p.Gln164=; no amino-acid change (glutamine 164 retained).
Molecular consequence: synonymous variant.
Genome position (GRCh38, 1-based): chr1:1,518,968, G>A. VCF-style: chr1-1518968-G-A. GRCh37 (hg19) VCF-style: chr1-1454348-G-A.
Other names: c.255G>A, p.Gln85= (NM_001170536.3); c.636G>A, p.Gln212= (NM_018188.5).
Identifiers: ClinVar variation 2638024 (VCV002638024.24), dbSNP rs1206988583, ClinGen allele CA415385710.